The following is an entry in ClinVar:

ClinVar aggregate classification (germline): Uncertain significance. Review status: criteria provided, multiple submitters, no conflicts (2 of 4 stars). 2 submissions from 2 submitters: Uncertain significance (2). Last evaluated 2026-02-16.

Conditions:
Inborn genetic diseases. Identifiers: MedGen C0950123, MeSH D030342.

gnomAD v4.1: 3 of 1,614,004 alleles (0.00019%); highest among the groups gnomAD compares: Admixed American, 0.0017%; no homozygotes.

Submissions (2):

Ambry Genetics
Classification: Uncertain significance for Inborn genetic diseases. Last evaluated: 2026-02-16. Review status: criteria provided, single submitter. Criteria: Ambry Variant Classification Scheme 2023. Collection method: clinical testing. Allele origin: germline.

Labcorp Genetics (formerly Invitae), Labcorp
Classification: Uncertain significance. Last evaluated: 2023-05-03. Review status: criteria provided, single submitter. Criteria: Invitae Variant Classification Sherloc (09022015). Collection method: clinical testing. Allele origin: germline.
Comment: This sequence change replaces glycine, which is neutral and non-polar, with glutamic acid, which is acidic and polar, at codon 303 of the TEAD1 protein (p.Gly303Glu). This variant is present in population databases (no rsID available, gnomAD 0.0009%). This variant has not been reported in the literature in individuals affected with TEAD1-related conditions. Advanced modeling of protein sequence and biophysical properties (such as structural, functional, and spatial information, amino acid conservation, physicochemical variation, residue mobility, and thermodynamic stability) performed at Invitae indicates that this missense variant is not expected to disrupt TEAD1 protein function. In summary, the available evidence is currently insufficient to determine the role of this variant in disease. Therefore, it has been classified as a Variant of Uncertain Significance.

NM_021961.6(TEAD1):c.908G>A (p.Gly303Glu)

Gene: TEAD1 (TEA domain transcription factor 1; plus strand). Cytogenetic location: 11p15.3.
Variant type: single nucleotide variant.
Coding change: c.908G>A on transcript NM_021961.6 (MANE Select); coding-DNA position 908, G replaced by A.
Protein change: p.Gly303Glu; replaces glycine 303 with glutamic acid.
Molecular consequence: missense variant.
Genome position (GRCh38, 1-based): chr11:12,924,946, G>A. VCF-style: chr11-12924946-G-A. GRCh37 (hg19) VCF-style: chr11-12946493-G-A.
Other names: c.908G>A (NM_021961.5); short protein forms G303E.
Identifiers: ClinVar variation 3000323 (VCV003000323.4), dbSNP rs1006859684, ClinGen allele CA217806677.
Genomic context (GRCh38, chr11:12,924,946, plus strand): 5'-CCACACCTCCATTTCCTTTCCAACAGGCTGATTTAAACTGCAATATTCAAGATGATGCTG[G>A]GGCTTTTTATGGTGTAACCAGTCAGTACGAGAGTTCTGAAAATATGACAGTCACCTGTTC-3'
Protein context (NP_068780.2, residues 293-313): DLNCNIQDDA[Gly303Glu]AFYGVTSQYE